The following is an entry in ClinVar:

ClinVar aggregate classification (germline): Uncertain significance (1 of 4 stars; one submission).

Conditions:
Hereditary cancer-predisposing syndrome. Also called: Hereditary Cancer Syndrome; Hereditary neoplastic syndrome; Neoplastic Syndromes, Hereditary; Tumor predisposition. Identifiers: Orphanet 140162, MedGen C0027672, MeSH D009386, MONDO:0015356.

Submission:

Labcorp Genetics (formerly Invitae), Labcorp
Classification: Uncertain significance for Hereditary cancer-predisposing syndrome. Last evaluated: 2024-05-29. Review status: criteria provided, single submitter. Criteria: Invitae Variant Classification Sherloc (09022015). Collection method: clinical testing. Allele origin: germline.
Comment: This sequence change replaces leucine, which is neutral and non-polar, with proline, which is neutral and non-polar, at codon 304 of the RAD50 protein (p.Leu304Pro). This variant is not present in population databases (gnomAD no frequency). This variant has not been reported in the literature in individuals affected with RAD50-related conditions. ClinVar contains an entry for this variant (Variation ID: 408344). Advanced modeling of protein sequence and biophysical properties (such as structural, functional, and spatial information, amino acid conservation, physicochemical variation, residue mobility, and thermodynamic stability) performed at Invitae indicates that this missense variant is expected to disrupt RAD50 protein function with a positive predictive value of 80%. In summary, the available evidence is currently insufficient to determine the role of this variant in disease. Therefore, it has been classified as a Variant of Uncertain Significance.

NM_005732.4(RAD50):c.911T>C (p.Leu304Pro)

Gene: RAD50 (RAD50 double strand break repair protein; plus strand). Cytogenetic location: 5q31.1.
Variant type: single nucleotide variant.
Coding change: c.911T>C on transcript NM_005732.4 (MANE Select); coding-DNA position 911, T replaced by C.
Protein change: p.Leu304Pro; replaces leucine 304 with proline.
Molecular consequence: missense variant.
Genome position (GRCh38, 1-based): chr5:132,587,949, T>C. VCF-style: chr5-132587949-T-C. GRCh37 (hg19) VCF-style: chr5-131923641-T-C.
Other names: short protein forms L304P.
Identifiers: ClinVar variation 408344 (VCV000408344.11), dbSNP rs1060501934, ClinGen allele CA16611721.